The following is an entry in ClinVar:

ClinVar aggregate classification (germline): Likely benign (1 of 4 stars; one submission).

Allele frequency attached by ClinVar (database versions not stated): gnomAD exomes 0.00001.
gnomAD v4.1: 8 of 1,613,044 alleles (0.0005%); highest among the groups gnomAD compares: East Asian, 0.016%; no homozygotes.

Submission:

GeneDx
Classification: Likely benign. Last evaluated: 2017-06-29. Review status: criteria provided, single submitter. Criteria: GeneDx Variant Classification (06012015). Collection method: clinical testing. Allele origin: germline. Affected: yes.
Comment: This variant is considered likely benign or benign based on one or more of the following criteria: it is a conservative change, it occurs at a poorly conserved position in the protein, it is predicted to be benign by multiple in silico algorithms, and/or has population frequency not consistent with disease.

NM_003466.4(PAX8):c.1011C>T (p.Ser337=)

Gene: PAX8 (paired box 8; minus strand). Cytogenetic location: 2q14.1.
Variant type: single nucleotide variant.
Coding change: c.1011C>T on transcript NM_003466.4 (MANE Select); coding-DNA position 1011, C replaced by T.
Protein change: p.Ser337=; no amino-acid change (serine 337 retained).
Molecular consequence: synonymous variant. On other transcripts: missense variant (1), intron variant (2).
Genome position (GRCh38, 1-based): chr2:113,235,470, G>A on the plus strand (C>T on the coding strand, the complement: PAX8 is on the minus strand). VCF-style: chr2-113235470-G-A. GRCh37 (hg19) VCF-style: chr2-113993047-G-A.
Other names: c.932C>T, p.Pro311Leu (NM_013952.4); c.777+6081C>T (NM_013992.4, NM_013953.4); short protein forms P311L.
Identifiers: ClinVar variation 518071 (VCV000518071.1), dbSNP rs1553412951, ClinGen allele CA348315598.